The following is an entry in ClinVar:

ClinVar aggregate classification (germline): Uncertain significance (1 of 4 stars; one submission).

Submission:

Labcorp Genetics (formerly Invitae), Labcorp
Classification: Uncertain significance. Last evaluated: 2022-05-15. Review status: criteria provided, single submitter. Criteria: Invitae Variant Classification Sherloc (09022015). Collection method: clinical testing. Allele origin: germline.
Comment: In summary, the available evidence is currently insufficient to determine the role of this variant in disease. Therefore, it has been classified as a Variant of Uncertain Significance. Algorithms developed to predict the effect of missense changes on protein structure and function are either unavailable or do not agree on the potential impact of this missense change (SIFT: "Tolerated"; PolyPhen-2: "Possibly Damaging"; Align-GVGD: "Class C0"). This variant has not been reported in the literature in individuals affected with ASAH1-related conditions. This variant is not present in population databases (gnomAD no frequency). This sequence change replaces proline, which is neutral and non-polar, with glutamine, which is neutral and polar, at codon 25 of the ASAH1 protein (p.Pro25Gln).

NM_177924.5(ASAH1):c.74C>A (p.Pro25Gln)

Gene: ASAH1 (N-acylsphingosine amidohydrolase 1; minus strand). Cytogenetic location: 8p22.
Variant type: single nucleotide variant.
Coding change: c.74C>A on transcript NM_177924.5 (MANE Select); coding-DNA position 74, C replaced by A.
Protein change: p.Pro25Gln; replaces proline 25 with glutamine.
Molecular consequence: missense variant. On other transcripts: intron variant (2).
Genome position (GRCh38, 1-based): chr8:18,083,985, G>T on the plus strand (C>A on the coding strand, the complement: ASAH1 is on the minus strand). VCF-style: chr8-18083985-G-T. GRCh37 (hg19) VCF-style: chr8-17941494-G-T.
Other names: c.126+691C>A (NM_004315.6, NM_001127505.3); short protein forms P25Q.
Identifiers: ClinVar variation 1994729 (VCV001994729.4), dbSNP rs1478457972, ClinGen allele CA370435705.
Genomic context (GRCh38, chr8:18,083,985, plus strand): 5'-CCATCCGCGCCCGCACCTGCACGCCCCTCTCTGCGCCTCGGCTCAAGCTCACTCACCGGC[G>T]GCGCGTGCTGCGCGACGGCACAGCTGACGGCGGCAGCCAGGAGGACTAAGGCGACGCAAC-3'
Protein context (NP_808592.2, residues 15-35): AVSCAVAQHA[Pro25Gln]PWTEDCRKST